The following is an entry in ClinVar:

GRCh38/hg38 18q22.2-23(chr18:69288245-80252149)x1

Genes: ADNP2 (ADNP homeobox 2; plus strand), ATP9B (ATPase phospholipid transporting 9B (putative); plus strand), C18orf63 (chromosome 18 open reading frame 63; plus strand), CBLN2 (cerebellin 2 precursor; minus strand), CD226 (CD226 molecule; minus strand) and 277 more. Cytogenetic location: 18q22.2-23.
Variant type: copy number loss.
Change: copy number 1 (one copy instead of two) of chr18:69,288,245-80,252,149 (10.96 Mb, GRCh38 coordinates, 1-based), cytogenetic band 18q22.2-23.
Identifiers: ClinVar variation 60033 (VCV000060033.2).

ClinVar aggregate classification (germline): Pathogenic (1 of 4 stars; one submission).

Submission:

ISCA site 4
Classification: Pathogenic. Last evaluated: 2011-08-12. Review status: criteria provided, single submitter. Criteria: Kaminsky et al. (Genet Med. 2011). Collection method: clinical testing. Allele origin: unknown. Affected: yes. Observed: 1 variant allele.
Comment: Copy number variation identified through the course of routine clinical cytogenomic testing in postnatal populations. Clinical assertions have been curated as described in Kaminsky et al. 2011.